The following is an entry in ClinVar:

ClinVar aggregate classification (germline): Uncertain significance (1 of 4 stars; one submission).

Conditions:
Juvenile onset Parkinson disease 19A. Also called: PARK19; DNAJC6 Parkinson Disease. Identifiers: Orphanet 391411, MedGen C3809811, MONDO:0014231, OMIM 615528.

Submission:

Labcorp Genetics (formerly Invitae), Labcorp
Classification: Uncertain significance for Juvenile onset Parkinson disease 19A. Last evaluated: 2021-11-22. Review status: criteria provided, single submitter. Criteria: Invitae Variant Classification Sherloc (09022015). Collection method: clinical testing. Allele origin: germline.
Comment: In summary, the available evidence is currently insufficient to determine the role of this variant in disease. Therefore, it has been classified as a Variant of Uncertain Significance. Algorithms developed to predict the effect of missense changes on protein structure and function (SIFT, PolyPhen-2, Align-GVGD) all suggest that this variant is likely to be tolerated. This variant has not been reported in the literature in individuals affected with DNAJC6-related conditions. This variant is not present in population databases (gnomAD no frequency). This sequence change replaces cysteine, which is neutral and slightly polar, with arginine, which is basic and polar, at codon 325 of the DNAJC6 protein (p.Cys325Arg).

NM_001256864.2(DNAJC6):c.973T>C (p.Cys325Arg)

Gene: DNAJC6 (DnaJ heat shock protein family (Hsp40) member C6; plus strand). Cytogenetic location: 1p31.3.
Variant type: single nucleotide variant.
Coding change: c.973T>C on transcript NM_001256864.2 (MANE Select); coding-DNA position 973, T replaced by C.
Protein change: p.Cys325Arg; replaces cysteine 325 with arginine.
Molecular consequence: missense variant.
Genome position (GRCh38, 1-based): chr1:65,385,884, T>C. VCF-style: chr1-65385884-T-C. GRCh37 (hg19) VCF-style: chr1-65851567-T-C.
Other names: c.763T>C, p.Cys255Arg (NM_001256865.2); c.802T>C, p.Cys268Arg (NM_014787.4); short protein forms C255R, C268R, C325R.
Identifiers: ClinVar variation 1500680 (VCV001500680.4), dbSNP rs1436860964, ClinGen allele CA340683319.